The following is an entry in ClinVar:

ClinVar aggregate classification (germline): Uncertain significance. Review status: criteria provided, multiple submitters, no conflicts (2 of 4 stars). 5 submissions from 5 submitters: Uncertain significance (5). Last evaluated 2026-04-20.

Conditions:
PDE6B-related disorder. Also called: PDE6B-related disorders; PDE6B-related disease; PDE6B-related condition.
Retinal dystrophy. Also called: Inherited retinal dystrophy. Identifiers: Orphanet 71862, MedGen C0854723, MeSH D058499, MONDO:0019118, HP:0000556.
Retinitis pigmentosa 40 (RP40). Identifiers: Orphanet 791, MedGen C3151107, MONDO:0013429, OMIM 613801.

Allele frequency attached by ClinVar (database versions not stated): gnomAD 0.00002 and 0.00004; TOPMed 0.00004; ExAC 0.00007; gnomAD exomes 0.00008; 1000 Genomes Project 0.00040; 1000 Genomes Project 30x 0.00047.
gnomAD v4.1: 96 of 1,605,798 alleles (0.006%); highest among the groups gnomAD compares: East Asian, 0.054%; 1 homozygote.

Submissions (5):

PreventionGenetics, part of Exact Sciences
Classification: Uncertain significance for PDE6B-related condition. Last evaluated: 2026-04-20. Review status: criteria provided, single submitter. Criteria: ACMG Guidelines, 2015. Collection method: clinical testing. Allele origin: germline.
Comment: The PDE6B c.694G>A variant is predicted to result in the amino acid substitution p.Glu232Lys. This variant has been reported as a variant of uncertain significance in an individual with retinal disease (Table S1, Karali et al. 2022. PubMed ID: 36460718). This variant is present in 0.038% of alleles in individuals of East Asian descent in gnomAD. At this time, the clinical significance of this variant is uncertain due to the absence of conclusive functional and genetic evidence.

Labcorp Genetics (formerly Invitae), Labcorp
Classification: Uncertain significance. Last evaluated: 2025-11-11. Review status: criteria provided, single submitter. Criteria: Invitae Variant Classification Sherloc (09022015). Collection method: clinical testing. Allele origin: germline.
Comment: This sequence change replaces glutamic acid, which is acidic and polar, with lysine, which is basic and polar, at codon 232 of the PDE6B protein (p.Glu232Lys). This variant is present in population databases (rs201593198, gnomAD 0.03%). This missense change has been observed in individual(s) with clinical features of PDE6B-related conditions (PMID: 36460718). ClinVar contains an entry for this variant (Variation ID: 866820). Invitae Evidence Modeling of protein sequence and biophysical properties (such as structural, functional, and spatial information, amino acid conservation, physicochemical variation, residue mobility, and thermodynamic stability) has been performed for this missense variant. However, the output from this modeling did not meet the statistical confidence thresholds required to predict the impact of this variant on PDE6B protein function. In summary, the available evidence is currently insufficient to determine the role of this variant in disease. Therefore, it has been classified as a Variant of Uncertain Significance.

Blueprint Genetics
Classification: Uncertain significance. Last evaluated: 2024-05-06. Review status: criteria provided, single submitter. Criteria: ACMG Guidelines, 2015. Collection method: clinical testing. Allele origin: germline.

Dept Of Ophthalmology, Nagoya University
Classification: Uncertain significance for Retinal dystrophy. Last evaluated: 2023-10-01. Review status: criteria provided, single submitter. Criteria: Submitter's publication. Collection method: research. Allele origin: germline. Affected: yes.

Juno Genomics, Hangzhou Juno Genomics, Inc
Classification: Uncertain significance for Retinitis pigmentosa 40. Review status: criteria provided, single submitter. Criteria: ACMG Guidelines, 2015. Collection method: clinical testing. Allele origin: germline.
Comment: Absent from controls (or at extremely low frequency if recessive) in Genome Aggregation Database.;Multiple lines of computational evidence support a deleterious effect on the gene or gene product.;For recessive disorders, detected in trans with a pathogenic variant.

Literature cited by the submitters: PubMed 36460718 (cited by Labcorp Genetics (formerly Invitae), Labcorp).

NM_000283.4(PDE6B):c.694G>A (p.Glu232Lys)

Gene: PDE6B (phosphodiesterase 6B; plus strand). Cytogenetic location: 4p16.3.
Variant type: single nucleotide variant.
Coding change: c.694G>A on transcript NM_000283.4 (MANE Select); coding-DNA position 694, G replaced by A.
Protein change: p.Glu232Lys; replaces glutamic acid 232 with lysine.
Molecular consequence: missense variant.
Genome position (GRCh38, 1-based): chr4:635,952, G>A. VCF-style: chr4-635952-G-A. GRCh37 (hg19) VCF-style: chr4-629741-G-A.
Other names: c.694G>A, p.Glu232Lys (NM_001145291.2); short protein forms E232K.
Identifiers: ClinVar variation 866820 (VCV000866820.14), dbSNP rs201593198, ClinGen allele CA2794054.